The following is an entry in ClinVar:

ClinVar aggregate classification (germline): Pathogenic/Likely pathogenic. Review status: criteria provided, multiple submitters, no conflicts (2 of 4 stars). 6 submissions from 6 submitters: Pathogenic (4); Likely pathogenic (1). 1 of the submissions does not count toward it. Last evaluated 2024-03-16.

Conditions:
Congenital myasthenic syndrome 10. Also called: Myasthenia, limb-girdle, familial. Identifiers: Orphanet 590, MedGen C1850792, MONDO:0009690, OMIM 254300.
Fetal akinesia deformation sequence 3. Identifiers: MedGen C4760599, MONDO:0100103, OMIM 618389.
Fetal akinesia deformation sequence 1 (FADS1). Also called: Fetal akinesia sequence; Pena-Shokeir syndrome type I. Identifiers: Orphanet 994, MedGen C1276035, MONDO:0100101, OMIM 208150, HP:0001989.

Submissions (6):

Labcorp Genetics (formerly Invitae), Labcorp
Classification: Pathogenic for Congenital myasthenic syndrome 10; Fetal akinesia deformation sequence 1. Last evaluated: 2024-03-16. Review status: criteria provided, single submitter. Criteria: Invitae Variant Classification Sherloc (09022015). Collection method: clinical testing. Allele origin: germline.
Comment: This sequence change creates a premature translational stop signal (p.Glu382Argfs*25) in the DOK7 gene. While this is not anticipated to result in nonsense mediated decay, it is expected to disrupt the last 123 amino acid(s) of the DOK7 protein. The frequency data for this variant in the population databases is considered unreliable, as metrics indicate poor data quality at this position in the gnomAD database. This premature translational stop signal has been observed in individuals with congenital myasthenic syndrome (PMID: 16917026, 22661499). This variant is also known as p.Glu382ArgfsX24. ClinVar contains an entry for this variant (Variation ID: 1277). Algorithms developed to predict the effect of variants on protein structure and function are not available or were not evaluated for this variant. Experimental studies have shown that this premature translational stop signal affects DOK7 function (PMID: 18165682). For these reasons, this variant has been classified as Pathogenic.

Baylor Genetics
Classification: Pathogenic for Fetal akinesia deformation sequence 3. Last evaluated: 2024-03-01. Review status: criteria provided, single submitter. Criteria: ACMG Guidelines, 2015. Collection method: clinical testing. Allele origin: unknown.

GeneDx
Classification: Pathogenic. Last evaluated: 2024-02-06. Review status: criteria provided, single submitter. Criteria: GeneDx Variant Classification Process June 2021. Collection method: clinical testing. Allele origin: germline. Affected: yes.
Comment: Published functional studies in mouse myoblasts demonstrate that this variant disrupts protein function (PMID: 18165682); Frameshift variant predicted to result in protein truncation in a gene for which loss of function is a known mechanism of disease; Not observed at significant frequency in large population cohorts (gnomAD); This variant is associated with the following publications: (PMID: 17452375, 22661499, 18165682, 16917026)

Fulgent Genetics
Classification: Likely pathogenic for Congenital myasthenic syndrome 10; Fetal akinesia deformation sequence 3. Last evaluated: 2024-01-05. Review status: criteria provided, single submitter. Criteria: ACMG Guidelines, 2015. Collection method: clinical testing. Allele origin: germline.

Revvity Omics, Revvity
Classification: Pathogenic. Last evaluated: 2022-01-21. Review status: criteria provided, single submitter. Criteria: ACMG Guidelines, 2015. Collection method: clinical testing. Allele origin: germline.

OMIM
Classification: Pathogenic for MYASTHENIC SYNDROME, CONGENITAL, 10. Last evaluated: 2006-09-29. Review status: no assertion criteria provided. Collection method: literature only. Allele origin: germline. Not counted in ClinVar's aggregate classification.

Literature cited by the submitters: PubMed 16917026 (cited by Labcorp Genetics (formerly Invitae), Labcorp and OMIM); PubMed 22661499 (cited by Labcorp Genetics (formerly Invitae), Labcorp); PubMed 18165682 (cited by Labcorp Genetics (formerly Invitae), Labcorp).

NM_173660.5(DOK7):c.1143dup (p.Glu382fs)

Gene: DOK7 (docking protein 7; plus strand). Cytogenetic location: 4p16.3.
Variant type: Duplication.
Coding change: c.1143dup on transcript NM_173660.5 (MANE Select); coding-DNA position 1143, one base duplicated (C; older notation c.1143dupC).
Protein change: p.Glu382fs; shifts the reading frame from glutamic acid 382.
Molecular consequence: frameshift variant. On other transcripts: 3 prime UTR variant (1).
Genome position (GRCh38, 1-based): chr4:3,493,129, C duplicated; the last of 5 consecutive C bases (chr4:3,493,125-3,493,129); duplicating any one gives the same sequence. VCF-style (leftmost placement, unchanged base first): chr4-3493124-G-GC. GRCh37 (hg19) VCF-style: chr4-3494851-G-GC.
Other names: c.*364dup (NM_001164673.2); c.213dup, p.Glu72fs (NM_001256896.2); c.1143dup, p.Glu382fs (NM_001301071.2); c.711dup, p.Glu238fs (NM_001363811.2); c.1143dupC (NM_173660.4); short protein forms E238fs, E382fs, E72fs.
Identifiers: ClinVar variation 1277 (VCV000001277.20), dbSNP rs606231132, ClinGen allele CA251737.